The following is an entry in ClinVar:

NM_033131.4(WNT3A):c.25C>T (p.Leu9Phe)

Gene: WNT3A (Wnt family member 3A; plus strand). Cytogenetic location: 1q42.13.
Variant type: single nucleotide variant.
Coding change: c.25C>T on transcript NM_033131.4 (MANE Select); coding-DNA position 25, C replaced by T.
Protein change: p.Leu9Phe; replaces leucine 9 with phenylalanine.
Molecular consequence: missense variant.
Genome position (GRCh38, 1-based): chr1:228,007,153, C>T. VCF-style: chr1-228007153-C-T. GRCh37 (hg19) VCF-style: chr1-228194854-C-T.
Other names: short protein forms L9F.
Identifiers: ClinVar variation 2836776 (VCV002836776.3), dbSNP rs2528130723, ClinGen allele CA345333485.

ClinVar aggregate classification (germline): Uncertain significance (1 of 4 stars; one submission).

Allele frequency attached by ClinVar (database versions not stated): gnomAD exomes below 0.00001.

Submission:

Labcorp Genetics (formerly Invitae), Labcorp
Classification: Uncertain significance. Last evaluated: 2023-02-14. Review status: criteria provided, single submitter. Criteria: Invitae Variant Classification Sherloc (09022015). Collection method: clinical testing. Allele origin: germline.
Comment: This sequence change replaces leucine, which is neutral and non-polar, with phenylalanine, which is neutral and non-polar, at codon 9 of the WNT3A protein (p.Leu9Phe). This variant is not present in population databases (gnomAD no frequency). This variant has not been reported in the literature in individuals affected with WNT3A-related conditions. Algorithms developed to predict the effect of missense changes on protein structure and function output the following: SIFT: "Tolerated"; PolyPhen-2: "Benign"; Align-GVGD: "Class C0". The phenylalanine amino acid residue is found in multiple mammalian species, which suggests that this missense change does not adversely affect protein function. In summary, the available evidence is currently insufficient to determine the role of this variant in disease. Therefore, it has been classified as a Variant of Uncertain Significance.